The following is an entry in ClinVar:

NM_003072.5(SMARCA4):c.4228T>C (p.Ser1410Pro)

Gene: SMARCA4 (SWI/SNF related BAF chromatin remodeling complex subunit ATPase 4; plus strand). Cytogenetic location: 19p13.2.
Variant type: single nucleotide variant.
Coding change: c.4228T>C on transcript NM_003072.5 (MANE Select); coding-DNA position 4228, T replaced by C.
Protein change: p.Ser1410Pro; replaces serine 1410 with proline.
Molecular consequence: missense variant. On other transcripts: non-coding transcript variant (1).
Genome position (GRCh38, 1-based): chr19:11,041,364, T>C. VCF-style: chr19-11041364-T-C. GRCh37 (hg19) VCF-style: chr19-11152040-T-C.
Other names: c.4228T>C, p.Ser1410Pro (NM_001128844.3); c.4138T>C, p.Ser1380Pro (NM_001128845.2, NM_001128846.2); c.4129T>C, p.Ser1377Pro (NM_001128847.4, NM_001128848.2, NM_001374457.1); c.4324T>C, p.Ser1442Pro (NM_001128849.3, NM_001387283.1); c.4225T>C, p.Ser1409Pro (NM_001411150.1); short protein forms S1410P, S1442P, S1377P, S1380P, S1409P.
Identifiers: ClinVar variation 3636886 (VCV003636886.2).
Genomic context (GRCh38, chr19:11,041,364, plus strand): 5'-AAGGCCATCGAGGAGGGCACGCTGGAGGAGATCGAAGAGGAGGTCCGGCAGAAGAAATCA[T>C]CACGGAAGCGCAAGCGAGACAGCGACGCCGGCTCCTCCACCCCGACCACCAGCACCCGCA-3'
Protein context (NP_003063.2, residues 1400-1420): IEEEVRQKKS[Ser1410Pro]RKRKRDSDAG

ClinVar aggregate classification (germline): Uncertain significance (1 of 4 stars; one submission).

Conditions:
Rhabdoid tumor predisposition syndrome 2 (RTPS2). Identifiers: Orphanet 231108, Orphanet 69077, MedGen C2750074, MONDO:0013224, OMIM 613325.

Submission:

Labcorp Genetics (formerly Invitae), Labcorp
Classification: Uncertain significance for Rhabdoid tumor predisposition syndrome 2. Last evaluated: 2024-03-14. Review status: criteria provided, single submitter. Criteria: Invitae Variant Classification Sherloc (09022015). Collection method: clinical testing. Allele origin: germline.
Comment: This sequence change replaces serine, which is neutral and polar, with proline, which is neutral and non-polar, at codon 1442 of the SMARCA4 protein (p.Ser1442Pro). This variant is not present in population databases (gnomAD no frequency). This variant has not been reported in the literature in individuals affected with SMARCA4-related conditions. Advanced modeling of protein sequence and biophysical properties (such as structural, functional, and spatial information, amino acid conservation, physicochemical variation, residue mobility, and thermodynamic stability) has been performed at Invitae for this missense variant, however the output from this modeling did not meet the statistical confidence thresholds required to predict the impact of this variant on SMARCA4 protein function. In summary, the available evidence is currently insufficient to determine the role of this variant in disease. Therefore, it has been classified as a Variant of Uncertain Significance.